The following is an entry in ClinVar:

ClinVar aggregate classification (germline): Uncertain significance (1 of 4 stars; one submission).

Allele frequency attached by ClinVar (database versions not stated): gnomAD exomes below 0.00001; ExAC 0.00002.

Submission:

Labcorp Genetics (formerly Invitae), Labcorp
Classification: Uncertain significance. Last evaluated: 2021-07-01. Review status: criteria provided, single submitter. Criteria: Invitae Variant Classification Sherloc (09022015). Collection method: clinical testing. Allele origin: germline.
Comment: In summary, the available evidence is currently insufficient to determine the role of this variant in disease. Therefore, it has been classified as a Variant of Uncertain Significance. Advanced modeling of protein sequence and biophysical properties (such as structural, functional, and spatial information, amino acid conservation, physicochemical variation, residue mobility, and thermodynamic stability) performed at Invitae indicates that this missense variant is not expected to disrupt CDHR1 protein function. This variant has not been reported in the literature in individuals affected with CDHR1-related conditions. This variant is present in population databases (rs778681972, ExAC 0.01%). This sequence change replaces valine with isoleucine at codon 32 of the CDHR1 protein (p.Val32Ile). The valine residue is moderately conserved and there is a small physicochemical difference between valine and isoleucine.

NM_033100.4(CDHR1):c.94G>A (p.Val32Ile)

Gene: CDHR1 (cadherin related family member 1; plus strand). Cytogenetic location: 10q23.1.
Variant type: single nucleotide variant.
Coding change: c.94G>A on transcript NM_033100.4 (MANE Select); coding-DNA position 94, G replaced by A.
Protein change: p.Val32Ile; replaces valine 32 with isoleucine.
Molecular consequence: missense variant.
Genome position (GRCh38, 1-based): chr10:84,195,532, G>A. VCF-style: chr10-84195532-G-A. GRCh37 (hg19) VCF-style: chr10-85955288-G-A.
Other names: c.94G>A, p.Val32Ile (NM_001171971.3); short protein forms V32I.
Identifiers: ClinVar variation 1364625 (VCV001364625.8), dbSNP rs778681972, ClinGen allele CA5579401.